The following is an entry in ClinVar:

ClinVar aggregate classification (germline): Likely pathogenic (1 of 4 stars; one submission).

Conditions:
Epilepsy, familial adult myoclonic, 5 (EPEO5). Also called: CORTICAL MYOCLONIC TREMOR WITH EPILEPSY, FAMILIAL, 5. Identifiers: Orphanet 86814, MedGen C3809374, MONDO:0014167, OMIM 615400.

Submission:

Labcorp Genetics (formerly Invitae), Labcorp
Classification: Likely pathogenic for Epilepsy, familial adult myoclonic, 5. Last evaluated: 2024-11-04. Review status: criteria provided, single submitter. Criteria: Invitae Variant Classification Sherloc (09022015). Collection method: clinical testing. Allele origin: germline.
Comment: This sequence change affects an acceptor splice site in intron 7 of the CNTN2 gene. It is expected to disrupt RNA splicing. Variants that disrupt the donor or acceptor splice site typically lead to a loss of protein function (PMID: 16199547), and loss-of-function variants in CNTN2 are known to be pathogenic (PMID: 11178983, 23518707). This variant is not present in population databases (gnomAD no frequency). This variant has not been reported in the literature in individuals affected with CNTN2-related conditions. Algorithms developed to predict the effect of sequence changes on RNA splicing suggest that this variant may disrupt the consensus splice site. In summary, the currently available evidence indicates that the variant is pathogenic, but additional data are needed to prove that conclusively. Therefore, this variant has been classified as Likely Pathogenic.

Literature cited by the submitters: PubMed 16199547; PubMed 11178983; PubMed 23518707.

NM_005076.5(CNTN2):c.798-2A>G

Gene: CNTN2 (contactin 2; plus strand). Cytogenetic location: 1q32.1.
Variant type: single nucleotide variant.
Coding change: c.798-2A>G on transcript NM_005076.5 (MANE Select); the canonical splice acceptor site of the intron before coding-DNA position 798, A replaced by G.
Molecular consequence: splice acceptor variant.
Genome position (GRCh38, 1-based): chr1:205,061,243, A>G. VCF-style: chr1-205061243-A-G. GRCh37 (hg19) VCF-style: chr1-205030371-A-G.
Other names: c.798-2A>G (NM_001346083.2).
Identifiers: ClinVar variation 3724607 (VCV003724607.2).